The following is an entry in ClinVar:

ClinVar aggregate classification (germline): Uncertain significance (1 of 4 stars; one submission).

Conditions:
Developmental and epileptic encephalopathy 94 (DEE94). Also called: CHD2-Related Neurodevelopmental Disorders; Epileptic encephalopathy, childhood-onset. Identifiers: Orphanet 1942, Orphanet 2382, MedGen C3809278, MONDO:0014150, OMIM 615369.

Submission:

Mendelics
Classification: Uncertain significance for Developmental and epileptic encephalopathy 94. Last evaluated: 2026-03-05. Review status: criteria provided, single submitter. Criteria: ACMG Guidelines, 2015. Collection method: clinical testing. Allele origin: unknown.
Comment: The available evidence is insufficient to conclusively determine the role of this variant. Therefore, it is classified as a Variant of Uncertain Significance.

NM_001271.4(CHD2):c.1361C>T (p.Pro454Leu)

Gene: CHD2 (chromodomain helicase DNA binding protein 2; plus strand). Cytogenetic location: 15q26.1.
Variant type: single nucleotide variant.
Coding change: c.1361C>T on transcript NM_001271.4 (MANE Select); coding-DNA position 1361, C replaced by T.
Protein change: p.Pro454Leu; replaces proline 454 with leucine.
Molecular consequence: missense variant.
Genome position (GRCh38, 1-based): chr15:92,946,200, C>T. VCF-style: chr15-92946200-C-T. GRCh37 (hg19) VCF-style: chr15-93489430-C-T.
Other names: c.1361C>T, p.Pro454Leu (NM_001042572.3); short protein forms P454L.
Identifiers: ClinVar variation 4813590 (VCV004813590.1).